The following is an entry in ClinVar:

ClinVar aggregate classification (germline): Uncertain significance (1 of 4 stars; one submission).

Conditions:
Isolated microphthalmia 5. Also called: Posterior Microphthalmia with Retinitis Pigmentosa, Foveoschisis, and Optic Disc Drusen. Identifiers: Orphanet 251279, MedGen C1970236, MONDO:0012605, OMIM 611040.

Submission:

Labcorp Genetics (formerly Invitae), Labcorp
Classification: Uncertain significance for Isolated microphthalmia 5. Last evaluated: 2024-11-05. Review status: criteria provided, single submitter. Criteria: Invitae Variant Classification Sherloc (09022015). Collection method: clinical testing. Allele origin: germline.
Comment: This sequence change affects codon 19 of the MFRP mRNA. It is a 'silent' change, meaning that it does not change the encoded amino acid sequence of the MFRP protein. This variant is not present in population databases (gnomAD no frequency). This variant has not been reported in the literature in individuals affected with MFRP-related conditions. ClinVar contains an entry for this variant (Variation ID: 853897). Algorithms developed to predict the effect of sequence changes on RNA splicing suggest that this variant may create or strengthen a splice site. In summary, the available evidence is currently insufficient to determine the role of this variant in disease. Therefore, it has been classified as a Variant of Uncertain Significance.

NM_031433.4(MFRP):c.57C>A (p.Thr19=)

Genes: C1QTNF5 (C1q and TNF related 5; minus strand), MFRP (membrane frizzled-related protein; minus strand). Cytogenetic location: 11q23.3.
Variant type: single nucleotide variant.
Coding change: c.57C>A on transcript NM_031433.4 (MANE Select); coding-DNA position 57, C replaced by A.
Protein change: p.Thr19=; no amino-acid change (threonine 19 retained).
Molecular consequence: synonymous variant. On other transcripts: 5 prime UTR variant (1).
Genome position (GRCh38, 1-based): chr11:119,346,372, G>T on the plus strand (C>A on the coding strand, the complement: MFRP is on the minus strand). VCF-style: chr11-119346372-G-T. GRCh37 (hg19) VCF-style: chr11-119217082-G-T.
Other names: c.-2580C>A (NM_015645.5).
Identifiers: ClinVar variation 853897 (VCV000853897.10), dbSNP rs368205663, ClinGen allele CA477378252.
Genomic context (GRCh38, chr11:119,346,372, plus strand): 5'-GAAAACTGGGGGAGGGCAGGGTGGCCCAGACTCAGGCTCGAAGGCAGGATTGCAGAACTC[G>T]GTCTGGAAGGGGGAGATACTTGAGGGCTGAGGGCAGCAGTGACCACTGGTGCTGGGTCTT-3'
Protein context (NP_113621.1, residues 9-29): LCMEATESSK[Thr19=]EFCNPAFEPE